The following is an entry in ClinVar:

NM_000051.4(ATM):c.3167C>A (p.Ser1056Ter)

Gene: ATM (ATM serine/threonine kinase; plus strand). Cytogenetic location: 11q22.3.
Variant type: single nucleotide variant.
Coding change: c.3167C>A on transcript NM_000051.4 (MANE Select); coding-DNA position 3167, C replaced by A.
Protein change: p.Ser1056Ter; replaces serine 1056 with a stop codon.
Molecular consequence: nonsense.
Genome position (GRCh38, 1-based): chr11:108,272,735, C>A. VCF-style: chr11-108272735-C-A. GRCh37 (hg19) VCF-style: chr11-108143462-C-A.
Other names: c.3167C>A, p.Ser1056Ter (NM_001351834.2); short protein forms S1056*.
Identifiers: ClinVar variation 567180 (VCV000567180.10), dbSNP rs1565428419, ClinGen allele CA382515552.

ClinVar aggregate classification (germline): Pathogenic. Review status: criteria provided, multiple submitters, no conflicts (2 of 4 stars). 2 submissions from 2 submitters: Pathogenic (2). Last evaluated 2024-04-22.

Conditions:
Familial cancer of breast. Also called: Hereditary breast cancer; BREAST CANCER, FAMILIAL; hereditary breast carcinoma. Identifiers: Orphanet 227535, MedGen C0346153, MONDO:0016419, OMIM 114480. Disease mechanism: loss of function.
Ataxia-telangiectasia syndrome (AT). Also called: Ataxia telangiectasia (A-T); Ataxia-telangiectasia, complementation group D; AT, COMPLEMENTATION GROUP C; ATAXIA-TELANGIECTASIA, COMPLEMENTATION GROUP A; Ataxia-telangiectasia, complementation group E; ATAXIA-TELANGIECTASIA, FRESNO VARIANT. Identifiers: Orphanet 100, MedGen C0004135, MONDO:0008840, OMIM 208900.

Submissions (2):

Labcorp Genetics (formerly Invitae), Labcorp
Classification: Pathogenic for Ataxia-telangiectasia syndrome. Last evaluated: 2024-04-22. Review status: criteria provided, single submitter. Criteria: Invitae Variant Classification Sherloc (09022015). Collection method: clinical testing. Allele origin: germline.
Comment: This sequence change creates a premature translational stop signal (p.Ser1056*) in the ATM gene. It is expected to result in an absent or disrupted protein product. Loss-of-function variants in ATM are known to be pathogenic (PMID: 23807571, 25614872). This variant is not present in population databases (gnomAD no frequency). This variant has not been reported in the literature in individuals affected with ATM-related conditions. ClinVar contains an entry for this variant (Variation ID: 567180). For these reasons, this variant has been classified as Pathogenic.

Myriad Genetics, Inc.
Classification: Pathogenic for Familial cancer of breast. Last evaluated: 2024-01-19. Review status: criteria provided, single submitter. Criteria: Myriad Autosomal Dominant, Autosomal Recessive and X-Linked Classification Criteria (2023). Collection method: clinical testing. Allele origin: unknown.
Comment: This variant is considered pathogenic. This variant creates a termination codon and is predicted to result in premature protein truncation.

Literature cited by the submitters: PubMed 23807571 (cited by Labcorp Genetics (formerly Invitae), Labcorp); PubMed 25614872 (cited by Labcorp Genetics (formerly Invitae), Labcorp).